The following is an entry in ClinVar:

NM_002032.3(FTH1):c.514G>A (p.Asp172Asn)

Genes: FTH1 (ferritin heavy chain 1; minus strand), BEST1 (bestrophin 1; plus strand). Cytogenetic location: 11q12.3.
Variant type: single nucleotide variant.
Coding change: c.514G>A on transcript NM_002032.3 (MANE Select); coding-DNA position 514, G replaced by A.
Protein change: p.Asp172Asn; replaces aspartic acid 172 with asparagine.
Molecular consequence: missense variant.
Genome position (GRCh38, 1-based): chr11:61,964,765, C>T on the plus strand (G>A on the coding strand, the complement: FTH1 is on the minus strand). VCF-style: chr11-61964765-C-T. GRCh37 (hg19) VCF-style: chr11-61732237-C-T.
Other names: short protein forms D172N.
Identifiers: ClinVar variation 2636131 (VCV002636131.1), dbSNP rs367593479, ClinGen allele CA6041205.

ClinVar aggregate classification (germline): Uncertain significance (1 of 4 stars; one submission).

Conditions:
FTH1-related disorder. Also called: FTH1-related condition.

Allele frequency attached by ClinVar (database versions not stated): ExAC 0.00003; ESP Exome Variant Server 0.00008; gnomAD 0.00012; gnomAD exomes 0.00001; TOPMed 0.00011.
gnomAD v4.1: 40 of 1,599,416 alleles (0.0025%); highest among the groups gnomAD compares: African/African-American, 0.036%; no homozygotes.

Submission:

PreventionGenetics, part of Exact Sciences
Classification: Uncertain significance for FTH1-related condition. Last evaluated: 2023-09-15. Review status: criteria provided, single submitter. Criteria: ACMG Guidelines, 2015. Collection method: clinical testing. Allele origin: germline.
Comment: The FTH1 c.514G>A variant is predicted to result in the amino acid substitution p.Asp172Asn. To our knowledge, this variant has not been reported in the literature. This variant is reported in 0.042% of alleles in individuals of African descent in gnomAD. Although we suspect that this variant may be benign, at this time, the clinical significance of this variant is uncertain due to the absence of conclusive functional and genetic evidence.